The following is an entry in ClinVar:

NM_001040142.2(SCN2A):c.4363A>T (p.Ile1455Phe)

Gene: SCN2A (sodium voltage-gated channel alpha subunit 2; plus strand). Cytogenetic location: 2q24.3.
Variant type: single nucleotide variant.
Coding change: c.4363A>T on transcript NM_001040142.2 (MANE Select); coding-DNA position 4363, A replaced by T.
Protein change: p.Ile1455Phe; replaces isoleucine 1455 with phenylalanine.
Molecular consequence: missense variant.
Genome position (GRCh38, 1-based): chr2:165,380,646, A>T. VCF-style: chr2-165380646-A-T. GRCh37 (hg19) VCF-style: chr2-166237156-A-T.
Other names: c.4363A>T, p.Ile1455Phe (NM_001040143.2, NM_001371246.1, NM_001371247.1 and 1 more transcripts); short protein forms I1455F.
Identifiers: ClinVar variation 1423626 (VCV001423626.6), dbSNP rs2105384627, ClinGen allele CA349033860.

ClinVar aggregate classification (germline): Uncertain significance (1 of 4 stars; one submission).

Conditions:
Seizures, benign familial infantile, 3 (BFIS3). Also called: Familial neonatal seizures; CONVULSIONS, BENIGN FAMILIAL INFANTILE, 3. Identifiers: Orphanet 140927, Orphanet 306, MedGen C1843140, MONDO:0011904, OMIM 607745.
Developmental and epileptic encephalopathy, 11 (DEE11). Also called: Early infantile epileptic encephalopathy 11. Identifiers: Orphanet 1934, MedGen C3150987, MONDO:0013388, OMIM 613721.

Submission:

Labcorp Genetics (formerly Invitae), Labcorp
Classification: Uncertain significance for Seizures, benign familial infantile, 3; Developmental and epileptic encephalopathy, 11. Last evaluated: 2021-11-17. Review status: criteria provided, single submitter. Criteria: Invitae Variant Classification Sherloc (09022015). Collection method: clinical testing. Allele origin: germline.
Comment: In summary, the available evidence is currently insufficient to determine the role of this variant in disease. Therefore, it has been classified as a Variant of Uncertain Significance. Algorithms developed to predict the effect of missense changes on protein structure and function are either unavailable or do not agree on the potential impact of this missense change (SIFT: "Deleterious"; PolyPhen-2: "Possibly Damaging"; Align-GVGD: "Class C0"). This variant has not been reported in the literature in individuals affected with SCN2A-related conditions. This variant is not present in population databases (gnomAD no frequency). This sequence change replaces isoleucine, which is neutral and non-polar, with phenylalanine, which is neutral and non-polar, at codon 1455 of the SCN2A protein (p.Ile1455Phe).